The following is an entry in ClinVar:

ClinVar aggregate classification (germline): Uncertain significance. Review status: criteria provided, multiple submitters, no conflicts (2 of 4 stars). 3 submissions from 3 submitters: Uncertain significance (3). Last evaluated 2025-08-06.

Conditions:
Combined oxidative phosphorylation defect type 14. Also called: Combined oxidative phosphorylation deficiency 14. Identifiers: Orphanet 319519, MedGen C4755312, MONDO:0013986, OMIM 614946.

Allele frequency attached by ClinVar (database versions not stated): gnomAD exomes below 0.00001 and 0.00002; gnomAD 0.00001; TOPMed 0.00001.
gnomAD v4.1: 27 of 1,605,174 alleles (0.0017%); highest among the groups gnomAD compares: Non-Finnish European, 0.0021%; no homozygotes.

Submissions (3):

Labcorp Genetics (formerly Invitae), Labcorp
Classification: Uncertain significance for Combined oxidative phosphorylation defect type 14. Last evaluated: 2025-08-06. Review status: criteria provided, single submitter. Criteria: Invitae Variant Classification Sherloc (09022015). Collection method: clinical testing. Allele origin: germline.
Comment: This sequence change replaces glutamic acid, which is acidic and polar, with glycine, which is neutral and non-polar, at codon 213 of the FARS2 protein (p.Glu213Gly). This variant is not present in population databases (gnomAD no frequency). This variant has not been reported in the literature in individuals affected with FARS2-related conditions. ClinVar contains an entry for this variant (Variation ID: 587656). Invitae Evidence Modeling of protein sequence and biophysical properties (such as structural, functional, and spatial information, amino acid conservation, physicochemical variation, residue mobility, and thermodynamic stability) indicates that this missense variant is not expected to disrupt FARS2 protein function with a negative predictive value of 80%. In summary, the available evidence is currently insufficient to determine the role of this variant in disease. Therefore, it has been classified as a Variant of Uncertain Significance.

Blueprint Genetics
Classification: Uncertain significance. Last evaluated: 2024-10-07. Review status: criteria provided, single submitter. Criteria: ACMG Guidelines, 2015. Collection method: clinical testing. Allele origin: germline.

Wong Mito Lab, Molecular and Human Genetics, Baylor College of Medicine
Classification: Uncertain significance for Combined oxidative phosphorylation deficiency 14. Last evaluated: 2018-06-13. Review status: criteria provided, single submitter. Criteria: ACMG Guidelines, 2015. Collection method: clinical testing. Allele origin: germline.

NM_006567.5(FARS2):c.638A>G (p.Glu213Gly)

Gene: FARS2 (phenylalanyl-tRNA synthetase 2, mitochondrial; plus strand). Cytogenetic location: 6p25.1.
Variant type: single nucleotide variant.
Coding change: c.638A>G on transcript NM_006567.5 (MANE Select); coding-DNA position 638, A replaced by G.
Protein change: p.Glu213Gly; replaces glutamic acid 213 with glycine.
Molecular consequence: missense variant. On other transcripts: 5 prime UTR variant (2).
Genome position (GRCh38, 1-based): chr6:5,404,567, A>G. VCF-style: chr6-5404567-A-G. GRCh37 (hg19) VCF-style: chr6-5404800-A-G.
Other names: c.638A>G, p.Glu213Gly (NM_001318872.2, NM_001374875.1, NM_001374876.1 and 5 more transcripts); c.-59A>G (NM_001375259.1, NM_001375260.1); short protein forms E213G.
Identifiers: ClinVar variation 587656 (VCV000587656.10), dbSNP rs1044543244, ClinGen allele CA134315043.